The following is an entry in ClinVar:

NM_000391.4(TPP1):c.638C>A (p.Ser213Ter)

Gene: TPP1 (tripeptidyl peptidase 1; minus strand). Cytogenetic location: 11p15.4.
Variant type: single nucleotide variant.
Coding change: c.638C>A on transcript NM_000391.4 (MANE Select); coding-DNA position 638, C replaced by A.
Protein change: p.Ser213Ter; replaces serine 213 with a stop codon.
Molecular consequence: nonsense.
Genome position (GRCh38, 1-based): chr11:6,617,024, G>T on the plus strand (C>A on the coding strand, the complement: TPP1 is on the minus strand). VCF-style: chr11-6617024-G-T. GRCh37 (hg19) VCF-style: chr11-6638255-G-T.
Other names: short protein forms S213*.
Identifiers: ClinVar variation 1726625 (VCV001726625.2), dbSNP rs773546205, ClinGen allele CA379475407.
Genomic context (GRCh38, chr11:6,617,024, plus strand): 5'-GCTTGGCTCACCTGGGCACAGGCTTGGCTGTTATTGCTGGTGCCAGAGCCCACGTCTTGT[G>T]AGGTCAAGTTGTATCGCTTACGGATCACAGAGGGGGTTACCCCCAGATGCAGGCCTACAG-3'

ClinVar aggregate classification (germline): Likely pathogenic (1 of 4 stars; one submission).

Conditions:
Neuronal ceroid lipofuscinosis 2. Also called: TPP1-Related Neuronal Ceroid-Lipofuscinosis; JANSKY-BIELSCHOWSKY DISEASE NEURONAL CEROID LIPOFUSCINOSIS, LATE INFANTILE. Identifiers: Orphanet 168491, Orphanet 228349, Orphanet 79264, MedGen C1876161, MONDO:0008769, OMIM 204500.

Submission:

Myriad Genetics, Inc.
Classification: Likely pathogenic for Neuronal ceroid lipofuscinosis 2. Last evaluated: 2021-12-29. Review status: criteria provided, single submitter. Criteria: Myriad Women's Health Autosomal Recessive and X-Linked Classification Criteria (2021). Collection method: clinical testing. Allele origin: unknown.
Comment: NM_000391.3(TPP1):c.638C>A(S213*) is expected to be pathogenic in the context of TPP1-related neuronal ceroid lipofuscinosis. This variant is predicted to lead to an abnormal or absent protein product due to the creation of a premature termination codon in TPP1, a gene where loss-of-function variants are known to be pathogenic. Please note: this variant was assessed in the context of healthy population screening.